The following is an entry in ClinVar:

NM_000382.3(ALDH3A2):c.1384dup (p.Glu462fs)

Gene: ALDH3A2 (aldehyde dehydrogenase 3 family member A2; plus strand). Cytogenetic location: 17p11.2.
Variant type: Duplication.
Coding change: c.1384dup on transcript NM_000382.3 (MANE Select); coding-DNA position 1384, one base duplicated (G; older notation c.1384dupG).
Protein change: p.Glu462fs; shifts the reading frame from glutamic acid 462.
Molecular consequence: frameshift variant. On other transcripts: intron variant (1).
Genome position (GRCh38, 1-based): chr17:19,671,897, G duplicated. VCF-style (leftmost placement, unchanged base first): chr17-19671896-A-AG. GRCh37 (hg19) VCF-style: chr17-19575209-A-AG.
Other names: c.1384dup, p.Glu462fs (NM_001031806.2, NM_001369136.1, NM_001369137.2 and 2 more transcripts); c.805dup, p.Glu269fs (NM_001369148.2); c.1208-3661dup (NM_001369146.2); short protein forms E462fs, E269fs.
Identifiers: ClinVar variation 2151163 (VCV002151163.4), dbSNP rs2544405929, ClinGen allele CA2580092707.

ClinVar aggregate classification (germline): Pathogenic (1 of 4 stars; one submission).

Submission:

Labcorp Genetics (formerly Invitae), Labcorp
Classification: Pathogenic. Last evaluated: 2022-02-11. Review status: criteria provided, single submitter. Criteria: Invitae Variant Classification Sherloc (09022015). Collection method: clinical testing. Allele origin: germline.
Comment: This sequence change results in a frameshift in the ALDH3A2 gene (p.Glu462Glyfs*43). While this is not anticipated to result in nonsense mediated decay, it is expected to disrupt the last 24 amino acid(s) of the ALDH3A2 protein and extend the protein by 18 additional amino acid residues. For these reasons, this variant has been classified as Pathogenic. This variant is not present in population databases (gnomAD no frequency). This variant has not been reported in the literature in individuals affected with ALDH3A2-related conditions. This variant disrupts a region of the ALDH3A2 protein in which other variant(s) (p.Glu462Asnfs*13) have been determined to be pathogenic (PMID: 10233781). This suggests that this is a clinically significant region of the protein, and that variants that disrupt it are likely to be disease-causing.

Literature cited by the submitters: PubMed 10233781.